The following is an entry in ClinVar:

ClinVar aggregate classification (germline): Uncertain significance (1 of 4 stars; one submission).

Conditions:
Kabuki syndrome. Also called: NIIKAWA-KUROKI SYNDROME; Kabuki make-up syndrome. Identifiers: Orphanet 2322, MedGen C0796004, MONDO:0016512.

Submission:

Labcorp Genetics (formerly Invitae), Labcorp
Classification: Uncertain significance for Kabuki syndrome. Last evaluated: 2021-12-20. Review status: criteria provided, single submitter. Criteria: Invitae Variant Classification Sherloc (09022015). Collection method: clinical testing. Allele origin: germline.
Comment: This variant is not present in population databases (gnomAD no frequency). This variant has not been reported in the literature in individuals affected with KMT2D-related conditions. Advanced modeling of protein sequence and biophysical properties (such as structural, functional, and spatial information, amino acid conservation, physicochemical variation, residue mobility, and thermodynamic stability) performed at Invitae indicates that this missense variant is not expected to disrupt KMT2D protein function. In summary, the available evidence is currently insufficient to determine the role of this variant in disease. Therefore, it has been classified as a Variant of Uncertain Significance. This sequence change replaces leucine, which is neutral and non-polar, with phenylalanine, which is neutral and non-polar, at codon 4715 of the KMT2D protein (p.Leu4715Phe).

NM_003482.4(KMT2D):c.14145G>T (p.Leu4715Phe)

Gene: KMT2D (lysine methyltransferase 2D; minus strand). Cytogenetic location: 12q13.12.
Variant type: single nucleotide variant.
Coding change: c.14145G>T on transcript NM_003482.4 (MANE Select); coding-DNA position 14145, G replaced by T.
Protein change: p.Leu4715Phe; replaces leucine 4715 with phenylalanine.
Molecular consequence: missense variant.
Genome position (GRCh38, 1-based): chr12:49,029,167, C>A on the plus strand (G>T on the coding strand, the complement: KMT2D is on the minus strand). VCF-style: chr12-49029167-C-A. GRCh37 (hg19) VCF-style: chr12-49422950-C-A.
Other names: short protein forms L4715F.
Identifiers: ClinVar variation 2049966 (VCV002049966.4), dbSNP rs376628232, ClinGen allele CA384697418.